The following is an entry in ClinVar:

NM_138775.3(ALKBH8):c.1676G>A (p.Arg559His)

Gene: ALKBH8 (alkB homolog 8, tRNA methyltransferase; minus strand). Cytogenetic location: 11q22.3.
Variant type: single nucleotide variant.
Coding change: c.1676G>A on transcript NM_138775.3 (MANE Select); coding-DNA position 1676, G replaced by A.
Protein change: p.Arg559His; replaces arginine 559 with histidine.
Molecular consequence: missense variant. On other transcripts: non-coding transcript variant (6).
Genome position (GRCh38, 1-based): chr11:107,504,977, C>T on the plus strand (G>A on the coding strand, the complement: ALKBH8 is on the minus strand). VCF-style: chr11-107504977-C-T. GRCh37 (hg19) VCF-style: chr11-107375703-C-T.
Other names: c.1676G>A, p.Arg559His (NM_001301010.3); c.1526G>A, p.Arg509His (NM_001378133.1); short protein forms R509H, R559H.
Identifiers: ClinVar variation 3049190 (VCV003049190.3), dbSNP rs139390837, ClinGen allele CA6261005.
Genomic context (GRCh38, chr11:107,504,977, plus strand): 5'-GGCAGCTTGGAATTAGAAACTTGCCTTGAATTACATCCTCCTTCCTGAGAGTCATTAATG[C>T]GGGGGACAGAAGATGCCGAGTCTCGACTGCCCATGTCACGCATTTGCTCCACAAGTGACC-3'
Protein context (NP_620130.2, residues 549-569): GSRDSASSVP[Arg559His]INDSQEGGCN

ClinVar aggregate classification (germline): Likely benign. Review status: criteria provided, single submitter (1 of 4 stars). 2 submissions from 2 submitters: Likely benign (1). 1 of the submissions does not count toward it. Last evaluated 2024-11-21.

Conditions:
ALKBH8-related disorder. Also called: ALKBH8-related condition.

Allele frequency attached by ClinVar (database versions not stated): ESP Exome Variant Server 0.00022; gnomAD exomes 0.00047; ExAC 0.00049; gnomAD 0.00098; TOPMed 0.00129; 1000 Genomes Project 0.00140; 1000 Genomes Project 30x 0.00156.
gnomAD v4.1: 858 of 1,551,418 alleles (0.055%); highest among the groups gnomAD compares: Middle Eastern, 0.27%; 1 homozygote.

Submissions (2):

Blueprint Genetics
Classification: Likely benign. Last evaluated: 2024-11-21. Review status: criteria provided, single submitter. Criteria: ACMG Guidelines, 2015. Collection method: clinical testing. Allele origin: germline.

PreventionGenetics, part of Exact Sciences
Classification: Likely benign for ALKBH8-related condition. Last evaluated: 2022-06-17. Review status: no assertion criteria provided. Collection method: clinical testing. Allele origin: germline. Not counted in ClinVar's aggregate classification.
Comment: This variant is classified as likely benign based on ACMG/AMP sequence variant interpretation guidelines (Richards et al. 2015 PMID: 25741868, with internal and published modifications).